The following is an entry in ClinVar:

ClinVar aggregate classification (germline): Uncertain significance (1 of 4 stars; one submission).

Submission:

Labcorp Genetics (formerly Invitae), Labcorp
Classification: Uncertain significance. Last evaluated: 2022-09-06. Review status: criteria provided, single submitter. Criteria: Invitae Variant Classification Sherloc (09022015). Collection method: clinical testing. Allele origin: germline.
Comment: In summary, the available evidence is currently insufficient to determine the role of this variant in disease. Therefore, it has been classified as a Variant of Uncertain Significance. Algorithms developed to predict the effect of missense changes on protein structure and function output the following: SIFT: "Tolerated"; PolyPhen-2: "Probably Damaging"; Align-GVGD: "Class C0". The lysine amino acid residue is found in multiple mammalian species, which suggests that this missense change does not adversely affect protein function. This variant has not been reported in the literature in individuals affected with EYS-related conditions. This variant is not present in population databases (gnomAD no frequency). This sequence change replaces glutamic acid, which is acidic and polar, with lysine, which is basic and polar, at codon 1239 of the EYS protein (p.Glu1239Lys).

NM_001142800.2(EYS):c.3715G>A (p.Glu1239Lys)

Gene: EYS (EGF-like photoreceptor maintenance factor; minus strand). Cytogenetic location: 6q12.
Variant type: single nucleotide variant.
Coding change: c.3715G>A on transcript NM_001142800.2 (MANE Select); coding-DNA position 3715, G replaced by A.
Protein change: p.Glu1239Lys; replaces glutamic acid 1239 with lysine.
Molecular consequence: missense variant.
Genome position (GRCh38, 1-based): chr6:64,593,279, C>T on the plus strand (G>A on the coding strand, the complement: EYS is on the minus strand). VCF-style: chr6-64593279-C-T. GRCh37 (hg19) VCF-style: chr6-65303172-C-T.
Other names: c.3715G>A, p.Glu1239Lys (NM_001292009.2); short protein forms E1239K.
Identifiers: ClinVar variation 1714585 (VCV001714585.5), dbSNP rs1582932583, ClinGen allele CA364784887.